The following is an entry in ClinVar:

NM_000159.4(GCDH):c.833C>T (p.Pro278Leu)

Gene: GCDH (glutaryl-CoA dehydrogenase; plus strand). Cytogenetic location: 19p13.13.
Variant type: single nucleotide variant.
Coding change: c.833C>T on transcript NM_000159.4 (MANE Select); coding-DNA position 833, C replaced by T.
Protein change: p.Pro278Leu; replaces proline 278 with leucine.
Molecular consequence: missense variant. On other transcripts: non-coding transcript variant (2).
Genome position (GRCh38, 1-based): chr19:12,896,402, C>T. VCF-style: chr19-12896402-C-T. GRCh37 (hg19) VCF-style: chr19-13007216-C-T.
Other names: c.833C>T (NM_000159.3); c.833C>T, p.Pro278Leu (NM_013976.5); short protein forms P278L.
Identifiers: ClinVar variation 1521061 (VCV001521061.9), dbSNP rs755054282, ClinGen allele CA9234500.

ClinVar aggregate classification (germline): Conflicting classifications of pathogenicity. Review status: criteria provided, conflicting classifications (1 of 4 stars). 5 submissions from 5 submitters: Pathogenic (1); Likely pathogenic (2); Uncertain significance (2). Last evaluated 2026-01-28.

Conditions:
Glutaric aciduria, type 1. Also called: Glutaryl-CoA dehydrogenase deficiency; Glutaric acidemia type I; Glutaricacidemia Type 1; Glutaricaciduria, type I; GA I; Glutaric Acidemia Type 1. Identifiers: Orphanet 25, MedGen C0268595, MONDO:0009281, OMIM 231670.

Allele frequency attached by ClinVar (database versions not stated): gnomAD exomes 0.00001; TOPMed 0.00001; ExAC 0.00002.
gnomAD v4.1: 5 of 1,613,484 alleles (0.00031%); highest among the groups gnomAD compares: Admixed American, 0.0067%; no homozygotes.

Submissions (5):

Myriad Genetics, Inc.
Classification: Uncertain significance for Glutaric aciduria, type 1. Last evaluated: 2026-01-28. Review status: criteria provided, single submitter. Criteria: Myriad Autosomal Dominant, Autosomal Recessive and X-Linked Classification Criteria (2023). Collection method: clinical testing. Allele origin: unknown.
Comment: NM_000159.2(GCDH):c.833C>T(P278L) is a missense variant classified as a variant of uncertain significance in the context of glutaric acidemia, GCDH-related. P278L has been observed in a case with relevant disease (PMID: 37020324). Relevant functional assessments of this variant are not available in the literature. P278L has been observed in referenced population frequency databases. In summary, there is insufficient evidence to classify NM_000159.2(GCDH):c.833C>T(P278L) as pathogenic or benign. Please note: this variant was assessed in the context of healthy population screening.

Natera, Inc.
Classification: Likely pathogenic for Glutaric acidemia type 1. Last evaluated: 2025-07-15. Review status: criteria provided, single submitter. Criteria: Natera Variant Classification Schema (03/2026). Collection method: clinical testing. Allele origin: germline.
Comment: The c.833C>T variant in GCDH is a missense variant predicted to cause substitution of proline to leucine at amino acid 278. This variant is rare in the general population with a frequency below the threshold expected for the associated phenotype(s). This variant has been observed in one or more individuals affected with the associated recessive disease, as either homozygous or compound heterozygous with a second variant (PMID: 37020324). A different variant at the same position has been determined to be Pathogenic or Likely Pathogenic. Computational prediction algorithms indicate this variant is likely to affect gene or protein function. Given the available evidence, this variant is classified as Likely Pathogenic.

Labcorp Genetics (formerly Invitae), Labcorp
Classification: Pathogenic for Glutaric aciduria, type 1. Last evaluated: 2025-06-15. Review status: criteria provided, single submitter. Criteria: Invitae Variant Classification Sherloc (09022015). Collection method: clinical testing. Allele origin: germline.
Comment: This sequence change replaces proline, which is neutral and non-polar, with leucine, which is neutral and non-polar, at codon 278 of the GCDH protein (p.Pro278Leu). This variant is present in population databases (rs755054282, gnomAD 0.009%). This missense change has been observed in individual(s) with clinical features of glutaric aciduria (internal data). In at least one individual the data is consistent with being in trans (on the opposite chromosome) from a pathogenic variant. ClinVar contains an entry for this variant (Variation ID: 1521061). Invitae Evidence Modeling of protein sequence and biophysical properties (such as structural, functional, and spatial information, amino acid conservation, physicochemical variation, residue mobility, and thermodynamic stability) has been performed for this missense variant. However, the output from this modeling did not meet the statistical confidence thresholds required to predict the impact of this variant on GCDH protein function. This variant disrupts the p.Pro278 amino acid residue in GCDH. Other variant(s) that disrupt this residue have been determined to be pathogenic (PMID: 9600243, 15505393; internal data). This suggests that this residue is clinically significant, and that variants that disrupt this residue are likely to be disease-causing. For these reasons, this variant has been classified as Pathogenic.

Fulgent Genetics
Classification: Likely pathogenic for Glutaric aciduria, type 1. Last evaluated: 2023-12-28. Review status: criteria provided, single submitter. Criteria: ACMG Guidelines, 2015. Collection method: clinical testing. Allele origin: germline.

Women's Health and Genetics/Laboratory Corporation of America, LabCorp
Classification: Uncertain significance. Last evaluated: 2023-06-23. Review status: criteria provided, single submitter. Criteria: LabCorp Variant Classification Summary - May 2015. Collection method: clinical testing. Allele origin: germline.
Comment: Variant summary: GCDH c.833C>T (p.Pro278Leu) results in a non-conservative amino acid change in the encoded protein sequence, altering a highly conserved residue (HGMD) in which two other missense variants have been classified as pathogenic/likely pathogenic based on clinical evidence (ClinVar). Five of five in-silico tools predict a damaging effect of the variant on protein function. The variant allele was found at a frequency of 1.2e-05 in 248974 control chromosomes (gnomAD). To our knowledge, no occurrence of c.833C>T in individuals affected with Glutaric Acidemia Type 1 and no experimental evidence demonstrating its impact on protein function have been reported. One submitter has cited a clinical-significance assessment for this variant to ClinVar after 2014 and has classified it as likely pathogenic. Based on the evidence outlined above, the variant was classified as VUS-possibly pathogenic.

Literature cited by the submitters: PubMed 37020324 (cited by Myriad Genetics, Inc. and Natera, Inc.); PubMed 9600243 (cited by Labcorp Genetics (formerly Invitae), Labcorp); PubMed 15505393 (cited by Labcorp Genetics (formerly Invitae), Labcorp).